The following is an entry in ClinVar:

ClinVar aggregate classification (germline): Uncertain significance (1 of 4 stars; one submission).

Conditions:
Inborn genetic diseases. Identifiers: MedGen C0950123, MeSH D030342.

Submission:

Ambry Genetics
Classification: Uncertain significance for Inborn genetic diseases. Last evaluated: 2021-12-28. Review status: criteria provided, single submitter. Criteria: Ambry Variant Classification Scheme 2023. Collection method: clinical testing. Allele origin: germline.
Comment: The c.3346-6C>G intronic alteration consists of a C to G substitution 6 nucleotides before exon 13 of the ARID1B gene. Based on insufficient or conflicting evidence, the clinical significance of this alteration remains unclear.

NM_001374828.1(ARID1B):c.3715-6C>G

Gene: ARID1B (AT-rich interaction domain 1B; plus strand). Cytogenetic location: 6q25.3.
Variant type: single nucleotide variant.
Coding change: c.3715-6C>G on transcript NM_001374828.1 (MANE Select); 6 bases into the intron before coding-DNA position 3715, C replaced by G.
Molecular consequence: intron variant.
Genome position (GRCh38, 1-based): chr6:157,184,225, C>G. VCF-style: chr6-157184225-C-G. GRCh37 (hg19) VCF-style: chr6-157505359-C-G.
Other names: c.3346-6C>G (NM_020732.3); c.3595-6C>G (NM_001371656.1, NM_001374820.1); c.3556-6C>G (NM_017519.3); c.1216-6C>G (NM_001363725.2).
Identifiers: ClinVar variation 2263720 (VCV002263720.2), dbSNP rs2128324633, ClinGen allele CA1139767873.
Genomic context (GRCh38, chr6:157,184,225, plus strand): 5'-TTTGTCTCCTGGCTTTAAACAAGCCACTTTGTTGCAAACCAATGATCCTGCCGTGTTTTT[C>G]ACTAGGTTAATAAAAACAAGAAGTGGCGTGAGCTGGCAACCAACCTAAACGTTGGCACCT-3'